The following is an entry in ClinVar:

NM_002242.4(KCNJ13):c.96T>A (p.Asp32Glu)

Genes: GIGYF2 (GRB10 interacting GYF protein 2; plus strand), KCNJ13 (potassium inwardly rectifying channel subfamily J member 13; minus strand). Cytogenetic location: 2q37.1.
Variant type: single nucleotide variant.
Coding change: c.96T>A on transcript NM_002242.4 (MANE Select); coding-DNA position 96, T replaced by A.
Protein change: p.Asp32Glu; replaces aspartic acid 32 with glutamic acid.
Molecular consequence: missense variant. On other transcripts: intron variant (5).
Genome position (GRCh38, 1-based): chr2:232,771,267, A>T on the plus strand (T>A on the coding strand, the complement: KCNJ13 is on the minus strand). VCF-style: chr2-232771267-A-T. GRCh37 (hg19) VCF-style: chr2-233635977-A-T.
Other names: c.96T>A, p.Asp32Glu (NM_001172416.1); c.532+9831A>T (NM_001103146.3, NM_015575.4, NM_001103148.2); c.533-5145A>T (NM_001103147.2); c.-23-122T>A (NM_001172417.1); short protein forms D32E.
Identifiers: ClinVar variation 1719307 (VCV001719307.5), dbSNP rs1699234402, ClinGen allele CA351014229.

ClinVar aggregate classification (germline): Uncertain significance (1 of 4 stars; one submission).

gnomAD v4.1: 1 of 1,608,416 alleles (0.000062%); highest among the groups gnomAD compares: Non-Finnish European, 0.000085%; no homozygotes.

Submission:

Labcorp Genetics (formerly Invitae), Labcorp
Classification: Uncertain significance. Last evaluated: 2024-06-11. Review status: criteria provided, single submitter. Criteria: Invitae Variant Classification Sherloc (09022015). Collection method: clinical testing. Allele origin: germline.
Comment: This sequence change replaces aspartic acid, which is acidic and polar, with glutamic acid, which is acidic and polar, at codon 32 of the KCNJ13 protein (p.Asp32Glu). This variant is not present in population databases (gnomAD no frequency). This variant has not been reported in the literature in individuals affected with KCNJ13-related conditions. ClinVar contains an entry for this variant (Variation ID: 1719307). Advanced modeling of protein sequence and biophysical properties (such as structural, functional, and spatial information, amino acid conservation, physicochemical variation, residue mobility, and thermodynamic stability) performed at Invitae indicates that this missense variant is not expected to disrupt KCNJ13 protein function with a negative predictive value of 80%. In summary, the available evidence is currently insufficient to determine the role of this variant in disease. Therefore, it has been classified as a Variant of Uncertain Significance.